The following is an entry in ClinVar:

NM_021167.5(GATAD1):c.520A>G (p.Ile174Val)

Gene: GATAD1 (GATA zinc finger domain containing 1; plus strand). Cytogenetic location: 7q21.2.
Variant type: single nucleotide variant.
Coding change: c.520A>G on transcript NM_021167.5 (MANE Select); coding-DNA position 520, A replaced by G.
Protein change: p.Ile174Val; replaces isoleucine 174 with valine.
Molecular consequence: missense variant. On other transcripts: non-coding transcript variant (1).
Genome position (GRCh38, 1-based): chr7:92,454,586, A>G. VCF-style: chr7-92454586-A-G. GRCh37 (hg19) VCF-style: chr7-92083900-A-G.
Other names: short protein forms I174V.
Identifiers: ClinVar variation 3227584 (VCV003227584.1), dbSNP rs764733372, ClinGen allele CA4340314.
Genomic context (GRCh38, chr7:92,454,586, plus strand): 5'-GTTGTTTCTGTGATTGATGAACAAGATGGAAAGCCCTACTATGCTCAAATCAGAGGTTTT[A>G]TCCAGGACCAGTATTGCGAGAAGAGTGCAGCACTGACGTGGCTCATTCCTACCCTCTCTA-3'
Protein context (NP_066990.3, residues 164-184): KPYYAQIRGF[Ile174Val]QDQYCEKSAA

ClinVar aggregate classification (germline): Uncertain significance (1 of 4 stars; one submission).

Conditions:
Cardiovascular phenotype. Identifiers: MedGen CN230736.

Allele frequency attached by ClinVar (database versions not stated): gnomAD exomes below 0.00001; gnomAD 0.00001; ExAC 0.00002.

Submission:

Ambry Genetics
Classification: Uncertain significance for Cardiovascular phenotype. Last evaluated: 2024-03-14. Review status: criteria provided, single submitter. Criteria: Ambry Variant Classification Scheme 2023. Collection method: clinical testing. Allele origin: germline.
Comment: The p.I174V variant (also known as c.520A>G), located in coding exon 4 of the GATAD1 gene, results from an A to G substitution at nucleotide position 520. The isoleucine at codon 174 is replaced by valine, an amino acid with highly similar properties. This amino acid position is conserved. In addition, this alteration is predicted to be tolerated by in silico analysis. Based on the available evidence, the clinical significance of this alteration remains unclear.